The following is an entry in ClinVar:

ClinVar aggregate classification (germline): Uncertain significance (1 of 4 stars; one submission).

Conditions:
Cardiovascular phenotype. Identifiers: MedGen CN230736.

gnomAD v4.1: 1 of 1,613,888 alleles (0.000062%); highest among the groups gnomAD compares: Non-Finnish European, 0.000085%; no homozygotes.

Submission:

Ambry Genetics
Classification: Uncertain significance for Cardiovascular phenotype. Last evaluated: 2025-03-23. Review status: criteria provided, single submitter. Criteria: Ambry Variant Classification Scheme 2023. Collection method: clinical testing. Allele origin: germline.
Comment: The p.K4399Q variant (also known as c.13195A>C), located in coding exon 29 of the APOB gene, results from an A to C substitution at nucleotide position 13195. The lysine at codon 4399 is replaced by glutamine, an amino acid with similar properties. This amino acid position is conserved. In addition, this alteration is predicted to be tolerated by in silico analysis. Based on the available evidence, the clinical significance of this variant remains unclear.

NM_000384.3(APOB):c.13195A>C (p.Lys4399Gln)

Gene: APOB (apolipoprotein B; minus strand). Cytogenetic location: 2p24.1.
Variant type: single nucleotide variant.
Coding change: c.13195A>C on transcript NM_000384.3 (MANE Select); coding-DNA position 13195, A replaced by C.
Protein change: p.Lys4399Gln; replaces lysine 4399 with glutamine.
Molecular consequence: missense variant.
Genome position (GRCh38, 1-based): chr2:21,002,227, T>G on the plus strand (A>C on the coding strand, the complement: APOB is on the minus strand). VCF-style: chr2-21002227-T-G. GRCh37 (hg19) VCF-style: chr2-21225099-T-G.
Other names: short protein forms K4399Q.
Identifiers: ClinVar variation 3932558 (VCV003932558.1).